The following is an entry in ClinVar:

ClinVar aggregate classification (germline): Conflicting classifications of pathogenicity. Review status: criteria provided, conflicting classifications (1 of 4 stars). 4 submissions from 4 submitters: Uncertain significance (3); Likely benign (1). Last evaluated 2024-12-22.

Conditions:
Fanconi anemia (FA). Also called: Fanconi's anemia. Identifiers: Orphanet 84, MedGen C0015625, MeSH D005199, MONDO:0019391.
Fanconi anemia complementation group D2. Also called: FANCD2-Related Fanconi Anemia; FANCONI PANCYTOPENIA, TYPE 4; FANCONI ANEMIA, COMPLEMENTATION GROUP D. Identifiers: Orphanet 84, MedGen C3160738, MONDO:0009214, OMIM 227646.
Fanconi anemia complementation group A (FANCA). Also called: FANCA-Related Fanconi Anemia; Fanconi anemia, group A. Identifiers: Orphanet 84, MedGen C3469521, MONDO:0009215, OMIM 227650.

Allele frequency attached by ClinVar (database versions not stated): ESP Exome Variant Server 0.00008; ExAC 0.00009; gnomAD exomes 0.00010 and 0.00011; TOPMed 0.00010; gnomAD 0.00015 and 0.00016.
gnomAD v4.1: 183 of 1,613,024 alleles (0.011%); highest among the groups gnomAD compares: Middle Eastern, 0.033%; no homozygotes.

Submissions (4):

Labcorp Genetics (formerly Invitae), Labcorp
Classification: Uncertain significance for Fanconi anemia. Last evaluated: 2024-12-22. Review status: criteria provided, single submitter. Criteria: Invitae Variant Classification Sherloc (09022015). Collection method: clinical testing. Allele origin: germline.
Comment: This sequence change replaces serine, which is neutral and polar, with leucine, which is neutral and non-polar, at codon 373 of the FANCD2 protein (p.Ser373Leu). This variant is present in population databases (rs372534421, gnomAD 0.02%). This variant has not been reported in the literature in individuals affected with FANCD2-related conditions. ClinVar contains an entry for this variant (Variation ID: 801926). Invitae Evidence Modeling of protein sequence and biophysical properties (such as structural, functional, and spatial information, amino acid conservation, physicochemical variation, residue mobility, and thermodynamic stability) indicates that this missense variant is not expected to disrupt FANCD2 protein function with a negative predictive value of 80%. In summary, the available evidence is currently insufficient to determine the role of this variant in disease. Therefore, it has been classified as a Variant of Uncertain Significance.

Blueprint Genetics
Classification: Uncertain significance. Last evaluated: 2024-09-02. Review status: criteria provided, single submitter. Criteria: ACMG Guidelines, 2015. Collection method: clinical testing. Allele origin: germline.

Mendelics
Classification: Likely benign for Fanconi anemia complementation group A. Last evaluated: 2019-05-28. Review status: criteria provided, single submitter. Criteria: Mendelics Assertion Criteria 2017. Collection method: clinical testing. Allele origin: unknown.

Illumina Laboratory Services, Illumina
Classification: Uncertain significance for Fanconi anemia complementation group D2. Last evaluated: 2017-04-27. Review status: criteria provided, single submitter. Criteria: ICSL Variant Classification Criteria 13 December 2019. Collection method: clinical testing. Allele origin: germline.

NM_001018115.3(FANCD2):c.1118C>T (p.Ser373Leu)

Genes: FANCD2 (FA complementation group D2; plus strand), LOC107303338 (3p25 FANCD2 Alu-mediated recombination region; plus strand). Cytogenetic location: 3p25.3.
Variant type: single nucleotide variant.
Coding change: c.1118C>T on transcript NM_001018115.3 (MANE Select); coding-DNA position 1118, C replaced by T.
Protein change: p.Ser373Leu; replaces serine 373 with leucine.
Molecular consequence: missense variant.
Genome position (GRCh38, 1-based): chr3:10,043,848, C>T. VCF-style: chr3-10043848-C-T. GRCh37 (hg19) VCF-style: chr3-10085532-C-T.
Other names: c.1118C>T, p.Ser373Leu (NM_001319984.2, NM_001374253.1, NM_001374254.1 and 1 more transcripts); short protein forms S373L.
Identifiers: ClinVar variation 801926 (VCV000801926.9), dbSNP rs372534421, ClinGen allele CA2249502.